The following is an entry in ClinVar:

ClinVar aggregate classification (germline): Uncertain significance (1 of 4 stars; one submission).

gnomAD v4.1: 7 of 1,611,282 alleles (0.00043%); highest among the groups gnomAD compares: African/African-American, 0.0013%; no homozygotes.

Submission:

GeneDx
Classification: Uncertain significance. Last evaluated: 2025-03-16. Review status: criteria provided, single submitter. Criteria: GeneDx Variant Classification Process June 2021. Collection method: clinical testing. Allele origin: germline. Affected: yes.
Comment: Not observed at significant frequency in large population cohorts (gnomAD); In silico analysis supports that this missense variant has a deleterious effect on protein structure/function; Missense variant in a gene in which most reported pathogenic variants are truncating/loss of function; Has not been previously published as pathogenic or benign to our knowledge

NM_018136.5(ASPM):c.3722A>G (p.Asn1241Ser)

Gene: ASPM (assembly factor for spindle microtubules; minus strand). Cytogenetic location: 1q31.3.
Variant type: single nucleotide variant.
Coding change: c.3722A>G on transcript NM_018136.5 (MANE Select); coding-DNA position 3722, A replaced by G.
Protein change: p.Asn1241Ser; replaces asparagine 1241 with serine.
Molecular consequence: missense variant.
Genome position (GRCh38, 1-based): chr1:197,122,178, T>C on the plus strand (A>G on the coding strand, the complement: ASPM is on the minus strand). VCF-style: chr1-197122178-T-C. GRCh37 (hg19) VCF-style: chr1-197091308-T-C.
Other names: c.3722A>G, p.Asn1241Ser (NM_001206846.2); short protein forms N1241S.
Identifiers: ClinVar variation 4086444 (VCV004086444.1).
Genomic context (GRCh38, chr1:197,122,178, plus strand): 5'-TTATTATTGAATTAATAATTAGAAACTCTTCTTTTACTTACCTTTTCATCTGGAATTGTA[T>C]TTGACATATCTGAATGATTAATCATAGCAGGTATTCCACCAAGGTCTCTAACTGCAGACC-3'
Protein context (NP_060606.3, residues 1231-1251): PAMINHSDMS[Asn1241Ser]TIPDEKVVIT